The following is an entry in ClinVar:

NM_001414.4(EIF2B1):c.449T>C (p.Val150Ala)

Gene: EIF2B1 (eukaryotic translation initiation factor 2B subunit alpha; minus strand). Cytogenetic location: 12q24.31.
Variant type: single nucleotide variant.
Coding change: c.449T>C on transcript NM_001414.4 (MANE Select); coding-DNA position 449, T replaced by C.
Protein change: p.Val150Ala; replaces valine 150 with alanine.
Molecular consequence: missense variant.
Genome position (GRCh38, 1-based): chr12:123,627,077, A>G on the plus strand (T>C on the coding strand, the complement: EIF2B1 is on the minus strand). VCF-style: chr12-123627077-A-G. GRCh37 (hg19) VCF-style: chr12-124111624-A-G.
Other names: short protein forms V150A.
Identifiers: ClinVar variation 1703884 (VCV001703884.2), dbSNP rs779302767, ClinGen allele CA6860124.

ClinVar aggregate classification (germline): Uncertain significance (1 of 4 stars; one submission).

Allele frequency attached by ClinVar (database versions not stated): gnomAD exomes below 0.00001; TOPMed below 0.00001; ExAC 0.00001.
gnomAD v4.1: 2 of 1,614,234 alleles (0.00012%); highest among the groups gnomAD compares: South Asian, 0.0022%; no homozygotes.

Submission:

GeneDx
Classification: Uncertain significance. Last evaluated: 2022-02-28. Review status: criteria provided, single submitter. Criteria: GeneDx Variant Classification Process June 2021. Collection method: clinical testing. Allele origin: germline. Affected: yes.
Comment: Not observed at significant frequency in large population cohorts (gnomAD); In silico analysis supports that this missense variant has a deleterious effect on protein structure/function; Has not been previously published as pathogenic or benign to our knowledge